The following is an entry in ClinVar:

ClinVar aggregate classification (germline): Likely benign. Review status: criteria provided, multiple submitters, no conflicts (2 of 4 stars). 6 submissions from 6 submitters: Likely benign (5). 1 of the submissions does not count toward it. Last evaluated 2026-07-01.

Conditions:
Glucose-6-phosphate transport defect (GSD1B). Also called: GSD Ib; Glycogen Storage Disease Type Ib. Identifiers: Orphanet 364, Orphanet 79259, MedGen C0268146, MONDO:0009288, OMIM 232220.
Inborn genetic diseases. Identifiers: MedGen C0950123, MeSH D030342.

Allele frequency attached by ClinVar (database versions not stated): gnomAD exomes 0.00012; ExAC 0.00013; gnomAD 0.00013; TOPMed 0.00017.

Submissions (6):

CeGaT Center for Human Genetics Tuebingen
Classification: Likely benign. Last evaluated: 2026-07-01. Review status: criteria provided, single submitter. Criteria: CeGaT Center For Human Genetics Tuebingen Variant Classification Criteria Version 2. Collection method: clinical testing. Allele origin: germline. Affected: yes. Observed: 2 variant alleles.
Comment: SLC37A4: BP4, BP7

Women's Health and Genetics/Laboratory Corporation of America, LabCorp
Classification: Likely benign. Last evaluated: 2026-04-08. Review status: criteria provided, single submitter. Criteria: LabCorp Variant Classification Summary - May 2015. Collection method: clinical testing. Allele origin: germline.
Comment: Variant summary: SLC37A4 c.1128C>T alters a conserved nucleotide resulting in a synonymous change. Consensus agreement among computation tools predict no significant impact on normal splicing. However, these predictions have yet to be confirmed by functional studies. The variant allele was found at a frequency of 0.00012 in 249066 control chromosomes. This frequency is not significantly higher than estimated for disease-causing variants in SLC37A4, allowing no conclusion about variant significance. To our knowledge, no occurrence of c.1128C>T in individuals affected with SLC37A4-related conditions and no experimental evidence demonstrating its impact on protein function have been reported. ClinVar contains an entry for this variant (Variation ID: 710805). Based on the evidence outlined above, the variant was classified as likely benign.

Labcorp Genetics (formerly Invitae), Labcorp
Classification: Likely benign for Glucose-6-phosphate transport defect. Last evaluated: 2026-01-20. Review status: criteria provided, single submitter. Criteria: Invitae Variant Classification Sherloc (09022015). Collection method: clinical testing. Allele origin: germline.

Blueprint Genetics
Classification: Likely benign. Last evaluated: 2024-08-01. Review status: criteria provided, single submitter. Criteria: ACMG Guidelines, 2015. Collection method: clinical testing. Allele origin: germline.

Ambry Genetics
Classification: Likely benign for Inborn genetic diseases. Last evaluated: 2024-06-12. Review status: criteria provided, single submitter. Criteria: Ambry Variant Classification Scheme 2023. Collection method: clinical testing. Allele origin: germline.

Natera, Inc.
Classification: Likely benign for Glycogen storage disease type Ib. Last evaluated: 2020-04-16. Review status: no assertion criteria provided. Collection method: clinical testing. Allele origin: germline. Not counted in ClinVar's aggregate classification.

NM_001164277.2(SLC37A4):c.1128C>T (p.Gly376=)

Gene: SLC37A4 (solute carrier family 37 member 4; minus strand). Cytogenetic location: 11q23.3.
Variant type: single nucleotide variant.
Coding change: c.1128C>T on transcript NM_001164277.2 (MANE Select); coding-DNA position 1128, C replaced by T.
Protein change: p.Gly376=; no amino-acid change (glycine 376 retained).
Molecular consequence: synonymous variant.
Genome position (GRCh38, 1-based): chr11:119,025,072, G>A on the plus strand (C>T on the coding strand, the complement: SLC37A4 is on the minus strand). VCF-style: chr11-119025072-G-A. GRCh37 (hg19) VCF-style: chr11-118895782-G-A.
Other names: c.1128C>T (NM_001467.5); c.1194C>T, p.Gly398= (NM_001164278.2); c.909C>T, p.Gly303= (NM_001164279.2); c.1128C>T, p.Gly376= (NM_001164280.2, NM_001467.6).
Identifiers: ClinVar variation 710805 (VCV000710805.38), dbSNP rs200713586, ClinGen allele CA6311609.